The following is an entry in ClinVar:

ClinVar aggregate classification (germline): Uncertain significance. Review status: criteria provided, multiple submitters, no conflicts (2 of 4 stars). 2 submissions from 2 submitters: Uncertain significance (2). Last evaluated 2026-08-10.

Conditions:
Inborn genetic diseases. Identifiers: MedGen C0950123, MeSH D030342.

gnomAD v4.1: 1 of 1,613,998 alleles (0.000062%); highest among the groups gnomAD compares: South Asian, 0.0011%; no homozygotes.

Submissions (2):

Ambry Genetics
Classification: Uncertain significance for Inborn genetic diseases. Last evaluated: 2026-08-10. Review status: criteria provided, single submitter. Criteria: Ambry Variant Classification Scheme 2023. Collection method: clinical testing. Allele origin: germline.
Comment: The p.A190T variant (also known as c.568G>A), located in coding exon 6 of the DDX41 gene, results from a G to A substitution at nucleotide position 568. The alanine at codon 190 is replaced by threonine, an amino acid with similar properties. This amino acid position is conserved. In addition, this alteration is predicted to be tolerated by in silico analysis. Based on the available evidence, the clinical significance of this variant remains unclear.

GeneDx
Classification: Uncertain significance. Last evaluated: 2023-07-31. Review status: criteria provided, single submitter. Criteria: GeneDx Variant Classification Process June 2021. Collection method: clinical testing. Allele origin: germline. Affected: yes.
Comment: Not observed at significant frequency in large population cohorts (gnomAD); In silico analysis supports that this missense variant does not alter protein structure/function; Has not been previously published as pathogenic or benign to our knowledge; This variant is associated with the following publications: (PMID: 27721487)

NM_016222.4(DDX41):c.568G>A (p.Ala190Thr)

Gene: DDX41 (DEAD-box helicase 41; minus strand). Cytogenetic location: 5q35.3.
Variant type: single nucleotide variant.
Coding change: c.568G>A on transcript NM_016222.4 (MANE Select); coding-DNA position 568, G replaced by A.
Protein change: p.Ala190Thr; replaces alanine 190 with threonine.
Molecular consequence: missense variant.
Genome position (GRCh38, 1-based): chr5:177,515,688, C>T on the plus strand (G>A on the coding strand, the complement: DDX41 is on the minus strand). VCF-style: chr5-177515688-C-T. GRCh37 (hg19) VCF-style: chr5-176942689-C-T.
Other names: c.190G>A, p.Ala64Thr (NM_001321732.2, NM_001321830.2); short protein forms A190T, A64T.
Identifiers: ClinVar variation 3361654 (VCV003361654.2).